The following is an entry in ClinVar:

ClinVar aggregate classification (germline): Uncertain significance (1 of 4 stars; one submission).

Submission:

CeGaT Center for Human Genetics Tuebingen
Classification: Uncertain significance. Last evaluated: 2023-06-01. Review status: criteria provided, single submitter. Criteria: CeGaT Center For Human Genetics Tuebingen Variant Classification Criteria Version 2. Collection method: clinical testing. Allele origin: germline. Affected: yes. Observed: 1 variant allele.
Comment: GLI2: PM2, BP4

NM_001374353.1(GLI2):c.3437C>T (p.Pro1146Leu)

Gene: GLI2 (GLI family zinc finger 2; plus strand). Cytogenetic location: 2q14.2.
Variant type: single nucleotide variant.
Coding change: c.3437C>T on transcript NM_001374353.1 (MANE Select); coding-DNA position 3437, C replaced by T.
Protein change: p.Pro1146Leu; replaces proline 1146 with leucine.
Molecular consequence: missense variant.
Genome position (GRCh38, 1-based): chr2:120,989,402, C>T. VCF-style: chr2-120989402-C-T. GRCh37 (hg19) VCF-style: chr2-121746978-C-T.
Other names: c.3488C>T, p.Pro1163Leu (NM_001371271.1, NM_005270.5); c.3062C>T, p.Pro1021Leu (NM_001374354.1); short protein forms P1021L, P1146L, P1163L.
Identifiers: ClinVar variation 2651319 (VCV002651319.24), dbSNP rs2467778140, ClinGen allele CA348174395.
Genomic context (GRCh38, chr2:120,989,402, plus strand): 5'-CTGTGCAGTGGAATGAGGTGAGCTCCGGCACCGTAGACGCCCTGGCCAGCCAGGTGAAGC[C>T]TCCACCCTTTCCTCAGGGCAACCTGGCGGTGGTGCAGCAGAAGCCTGCCTTTGGCCAGTA-3'
Protein context (NP_001361282.1, residues 1136-1156): TVDALASQVK[Pro1146Leu]PPFPQGNLAV